The following is an entry in ClinVar:

ClinVar aggregate classification (germline): Uncertain significance (1 of 4 stars; one submission).

Conditions:
Familial hypercholesterolemia. Also called: Familial hypercholesterolaemia. Identifiers: MedGen C0020445, MONDO:0005439.

Submission:

Color Diagnostics, LLC DBA Color Health
Classification: Uncertain significance for Familial hypercholesterolemia. Last evaluated: 2023-12-05. Review status: criteria provided, single submitter. Criteria: ACMG Guidelines, 2015. Collection method: clinical testing. Allele origin: germline.
Comment: Variant of Uncertain Significance due to insufficient evidence: This missense variant is located in the catalytic peptidase domain of the PCSK9 protein. Computational prediction tools and conservation analyses suggest that this variant may not impact the protein function. Computational splicing tools suggest that this variant may not impact RNA splicing. To our knowledge, functional assays have not been performed for this variant nor has this variant been reported in individuals affected with familial hypercholesterolemia in the literature. This variant is rare in the general population and has been identified in 0/277264 chromosomes by the Genome Aggregation Database (gnomAD). Available evidence is insufficient to determine the pathogenicity of this variant conclusively.

NM_174936.4(PCSK9):c.906G>C (p.Gln302His)

Gene: PCSK9 (proprotein convertase subtilisin/kexin type 9; plus strand). Cytogenetic location: 1p32.3.
Variant type: single nucleotide variant.
Coding change: c.906G>C on transcript NM_174936.4 (MANE Select); coding-DNA position 906, G replaced by C.
Protein change: p.Gln302His; replaces glutamine 302 with histidine.
Molecular consequence: missense variant.
Genome position (GRCh38, 1-based): chr1:55,056,099, G>C. VCF-style: chr1-55056099-G-C. GRCh37 (hg19) VCF-style: chr1-55521772-G-C.
Other names: c.1029G>C, p.Gln343His (NM_001407240.1); c.906G>C, p.Gln302His (NM_001407241.1, NM_001407244.1, NM_001407247.1); c.909G>C, p.Gln303His (NM_001407242.1); c.849G>C, p.Gln283His (NM_001407243.1); c.714G>C, p.Gln238His (NM_001407245.1); c.531G>C, p.Gln177His (NM_001407246.1); short protein forms Q302H, Q238H, Q283H, Q303H, Q177H, Q343H.
Identifiers: ClinVar variation 919484 (VCV000919484.6), dbSNP rs1644711892, ClinGen allele CA340474770.